The following is an entry in ClinVar:

ClinVar aggregate classification (germline): Conflicting classifications of pathogenicity. Review status: criteria provided, conflicting classifications (1 of 4 stars). 3 submissions from 3 submitters: Uncertain significance (1); Likely benign (1). 1 of the submissions does not count toward it. Last evaluated 2025-09-02.

Conditions:
Cardiovascular phenotype. Identifiers: MedGen CN230736.
Alstrom syndrome (ALMS). Identifiers: Orphanet 64, MedGen C0268425, MONDO:0008763, OMIM 203800.

Allele frequency attached by ClinVar (database versions not stated): gnomAD exomes below 0.00001.
gnomAD v4.1: 1 of 1,614,164 alleles (0.000062%); highest among the groups gnomAD compares: Admixed American, 0.0017%; no homozygotes.

Submissions (3):

Ambry Genetics
Classification: Likely benign for Cardiovascular phenotype. Last evaluated: 2025-09-02. Review status: criteria provided, single submitter. Criteria: Ambry Variant Classification Scheme 2023. Collection method: clinical testing. Allele origin: germline.

Labcorp Genetics (formerly Invitae), Labcorp
Classification: Uncertain significance for Alstrom syndrome. Last evaluated: 2020-08-14. Review status: criteria provided, single submitter. Criteria: Invitae Variant Classification Sherloc (09022015). Collection method: clinical testing. Allele origin: germline.
Comment: This sequence change replaces valine with alanine at codon 2750 of the ALMS1 protein (p.Val2750Ala). The valine residue is moderately conserved and there is a small physicochemical difference between valine and alanine. In summary, the available evidence is currently insufficient to determine the role of this variant in disease. Therefore, it has been classified as a Variant of Uncertain Significance. Experimental studies and prediction algorithms are not available or were not evaluated, and the functional significance of this variant is currently unknown. This variant has not been reported in the literature in individuals with ALMS1-related conditions. This variant is not present in population databases (ExAC no frequency).

Natera, Inc.
Classification: Uncertain significance for Alstrom syndrome. Last evaluated: 2021-05-25. Review status: no assertion criteria provided. Collection method: clinical testing. Allele origin: germline. Not counted in ClinVar's aggregate classification.

NM_001378454.1(ALMS1):c.8246T>C (p.Val2749Ala)

Gene: ALMS1 (ALMS1 centrosome and basal body associated protein; plus strand). Cytogenetic location: 2p13.1.
Variant type: single nucleotide variant.
Coding change: c.8246T>C on transcript NM_001378454.1 (MANE Select); coding-DNA position 8246, T replaced by C.
Protein change: p.Val2749Ala; replaces valine 2749 with alanine.
Molecular consequence: missense variant.
Genome position (GRCh38, 1-based): chr2:73,490,205, T>C. VCF-style: chr2-73490205-T-C. GRCh37 (hg19) VCF-style: chr2-73717332-T-C.
Other names: c.8249T>C, p.Val2750Ala (NM_015120.4); short protein forms V2749A, V2750A.
Identifiers: ClinVar variation 1056389 (VCV001056389.12), dbSNP rs2103891180, ClinGen allele CA347267974.